The following is an entry in ClinVar:

NM_002335.4(LRP5):c.1637C>T (p.Pro546Leu)

Gene: LRP5 (LDL receptor related protein 5; plus strand). Cytogenetic location: 11q13.2.
Variant type: single nucleotide variant.
Coding change: c.1637C>T on transcript NM_002335.4 (MANE Select); coding-DNA position 1637, C replaced by T.
Protein change: p.Pro546Leu; replaces proline 546 with leucine.
Molecular consequence: missense variant. On other transcripts: 5 prime UTR variant (1).
Genome position (GRCh38, 1-based): chr11:68,403,535, C>T. VCF-style: chr11-68403535-C-T. GRCh37 (hg19) VCF-style: chr11-68171003-C-T.
Other names: c.1637C>T (NM_002335.2); c.-301C>T (NM_001291902.2); short protein forms P546L.
Identifiers: ClinVar variation 1479278 (VCV001479278.8), dbSNP rs1404203617, ClinGen allele CA381614193.

ClinVar aggregate classification (germline): Uncertain significance. Review status: criteria provided, multiple submitters, no conflicts (2 of 4 stars). 3 submissions from 3 submitters: Uncertain significance (3). Last evaluated 2025-11-19.

Conditions:
Inborn genetic diseases. Identifiers: MedGen C0950123, MeSH D030342.

Allele frequency attached by ClinVar (database versions not stated): gnomAD exomes below 0.00001 and 0.00001; gnomAD 0.00001 and 0.00002.
gnomAD v4.1: 19 of 1,614,142 alleles (0.0012%); highest among the groups gnomAD compares: East Asian, 0.0022%; no homozygotes.

Submissions (3):

Ambry Genetics
Classification: Uncertain significance for Inborn genetic diseases. Last evaluated: 2025-11-19. Review status: criteria provided, single submitter. Criteria: Ambry Variant Classification Scheme 2023. Collection method: clinical testing. Allele origin: germline.

Labcorp Genetics (formerly Invitae), Labcorp
Classification: Uncertain significance. Last evaluated: 2024-10-22. Review status: criteria provided, single submitter. Criteria: Invitae Variant Classification Sherloc (09022015). Collection method: clinical testing. Allele origin: germline.
Comment: This sequence change replaces proline, which is neutral and non-polar, with leucine, which is neutral and non-polar, at codon 546 of the LRP5 protein (p.Pro546Leu). This variant is present in population databases (no rsID available, gnomAD 0.005%). This variant has not been reported in the literature in individuals affected with LRP5-related conditions. ClinVar contains an entry for this variant (Variation ID: 1479278). Invitae Evidence Modeling of protein sequence and biophysical properties (such as structural, functional, and spatial information, amino acid conservation, physicochemical variation, residue mobility, and thermodynamic stability) has been performed for this missense variant. However, the output from this modeling did not meet the statistical confidence thresholds required to predict the impact of this variant on LRP5 protein function. In summary, the available evidence is currently insufficient to determine the role of this variant in disease. Therefore, it has been classified as a Variant of Uncertain Significance.

Blueprint Genetics
Classification: Uncertain significance. Last evaluated: 2024-09-23. Review status: criteria provided, single submitter. Criteria: ACMG Guidelines, 2015. Collection method: clinical testing. Allele origin: germline.